The following is an entry in ClinVar:

ClinVar aggregate classification (germline): Likely benign (1 of 4 stars; one submission).

Submission:

CeGaT Center for Human Genetics Tuebingen
Classification: Likely benign. Last evaluated: 2025-09-01. Review status: criteria provided, single submitter. Criteria: CeGaT Center For Human Genetics Tuebingen Variant Classification Criteria Version 2. Collection method: clinical testing. Allele origin: germline. Affected: yes. Observed: 1 variant allele.
Comment: OR2T2: BP4, BP7

NM_001004136.2(OR2T2):c.636A>G (p.Leu212=)

Gene: OR2T2 (olfactory receptor family 2 subfamily T member 2; plus strand). Cytogenetic location: 1q44.
Variant type: single nucleotide variant.
Coding change: c.636A>G on transcript NM_001004136.2 (MANE Select); coding-DNA position 636, A replaced by G.
Protein change: p.Leu212=; no amino-acid change (leucine 212 retained).
Molecular consequence: synonymous variant.
Genome position (GRCh38, 1-based): chr1:248,453,433, A>G. VCF-style: chr1-248453433-A-G. GRCh37 (hg19) VCF-style: chr1-248616734-A-G.
Identifiers: ClinVar variation 4533973 (VCV004533973.6).